The following is an entry in ClinVar:

NM_000059.4(BRCA2):c.9265C>G (p.Pro3089Ala)

Gene: BRCA2 (BRCA2 DNA repair associated; plus strand). Cytogenetic location: 13q13.1.
Variant type: single nucleotide variant.
Coding change: c.9265C>G on transcript NM_000059.4 (MANE Select); coding-DNA position 9265, C replaced by G.
Protein change: p.Pro3089Ala; replaces proline 3089 with alanine.
Molecular consequence: missense variant.
Genome position (GRCh38, 1-based): chr13:32,394,697, C>G. VCF-style: chr13-32394697-C-G. GRCh37 (hg19) VCF-style: chr13-32968834-C-G.
Other names: short protein forms P3089A.
Identifiers: ClinVar variation 1338387 (VCV001338387.5), dbSNP rs1593199583, ClinGen allele CA387760737.

ClinVar aggregate classification (germline): Uncertain significance. Review status: criteria provided, multiple submitters, no conflicts (2 of 4 stars). 2 submissions from 2 submitters: Uncertain significance (2). Last evaluated 2025-06-24.

Conditions:
Hereditary cancer-predisposing syndrome. Also called: Neoplastic Syndromes, Hereditary; Tumor predisposition; Hereditary Cancer Syndrome; Hereditary neoplastic syndrome. Identifiers: Orphanet 140162, MedGen C0027672, MeSH D009386, MONDO:0015356.

Submissions (2):

Ambry Genetics
Classification: Uncertain significance for Hereditary cancer-predisposing syndrome. Last evaluated: 2025-06-24. Review status: criteria provided, single submitter. Criteria: Ambry Variant Classification Scheme 2023. Collection method: clinical testing. Allele origin: germline.
Comment: The p.P3089A variant (also known as c.9265C>G), located in coding exon 24 of the BRCA2 gene, results from a C to G substitution at nucleotide position 9265. The proline at codon 3089 is replaced by alanine, an amino acid with highly similar properties. This amino acid position is conserved. In addition, the in silico prediction for this alteration is inconclusive. Based on the available evidence, the clinical significance of this variant remains unclear.

Genetic Services Laboratory, University of Chicago
Classification: Uncertain significance. Last evaluated: 2018-04-04. Review status: criteria provided, single submitter. Criteria: ACMG Guidelines, 2015. Collection method: clinical testing. Allele origin: germline. Affected: no.